The following is an entry in ClinVar:

NM_006531.5(IFT88):c.1641C>G (p.Ile547Met)

Gene: IFT88 (intraflagellar transport 88; plus strand). Cytogenetic location: 13q12.11.
Variant type: single nucleotide variant.
Coding change: c.1641C>G on transcript NM_006531.5 (MANE Select); coding-DNA position 1641, C replaced by G.
Protein change: p.Ile547Met; replaces isoleucine 547 with methionine.
Molecular consequence: missense variant. On other transcripts: non-coding transcript variant (4).
Genome position (GRCh38, 1-based): chr13:20,641,357, C>G. VCF-style: chr13-20641357-C-G. GRCh37 (hg19) VCF-style: chr13-21215496-C-G.
Other names: c.1584C>G, p.Ile528Met (NM_001318491.2, NM_001353575.2); c.1668C>G, p.Ile556Met (NM_001318493.2, NM_001353565.2, NM_001353566.2 and 2 more transcripts); c.1641C>G, p.Ile547Met (NM_001353568.2, NM_001353572.2); c.1566C>G, p.Ile522Met (NM_001353569.2, NM_001353570.2, NM_001353576.2 and 1 more transcripts); c.1539C>G, p.Ile513Met (NM_001353571.2, NM_001353578.2); c.1497C>G, p.Ile499Met (NM_001353573.2); c.1482C>G, p.Ile494Met (NM_001353574.2); c.1008C>G, p.Ile336Met (NM_001353579.2); short protein forms I336M, I494M, I499M, I547M, I528M, I556M, I513M, I522M.
Identifiers: ClinVar variation 1386431 (VCV001386431.6), dbSNP rs2140296849, ClinGen allele CA387474021.

ClinVar aggregate classification (germline): Uncertain significance (1 of 4 stars; one submission).

Submission:

Labcorp Genetics (formerly Invitae), Labcorp
Classification: Uncertain significance. Last evaluated: 2025-06-27. Review status: criteria provided, single submitter. Criteria: Invitae Variant Classification Sherloc (09022015). Collection method: clinical testing. Allele origin: germline.
Comment: This sequence change replaces isoleucine, which is neutral and non-polar, with methionine, which is neutral and non-polar, at codon 556 of the IFT88 protein (p.Ile556Met). This variant is not present in population databases (gnomAD no frequency). This variant has not been reported in the literature in individuals affected with IFT88-related conditions. ClinVar contains an entry for this variant (Variation ID: 1386431). An algorithm developed to predict the effect of missense changes on protein structure and function (PolyPhen-2) suggests that this variant is likely to be disruptive. In summary, the available evidence is currently insufficient to determine the role of this variant in disease. Therefore, it has been classified as a Variant of Uncertain Significance.